The following is an entry in ClinVar:

ClinVar aggregate classification (germline): Uncertain significance (1 of 4 stars; one submission).

Allele frequency attached by ClinVar (database versions not stated): gnomAD exomes below 0.00001; TOPMed 0.00001.
gnomAD v4.1: 2 of 1,614,202 alleles (0.00012%); highest among the groups gnomAD compares: Non-Finnish European, 0.00017%; no homozygotes.

Submission:

Labcorp Genetics (formerly Invitae), Labcorp
Classification: Uncertain significance. Last evaluated: 2023-12-11. Review status: criteria provided, single submitter. Criteria: Invitae Variant Classification Sherloc (09022015). Collection method: clinical testing. Allele origin: germline.
Comment: This sequence change replaces phenylalanine, which is neutral and non-polar, with isoleucine, which is neutral and non-polar, at codon 20 of the ZMPSTE24 protein (p.Phe20Ile). This variant is not present in population databases (gnomAD no frequency). This variant has not been reported in the literature in individuals affected with ZMPSTE24-related conditions. ClinVar contains an entry for this variant (Variation ID: 2197489). An algorithm developed to predict the effect of missense changes on protein structure and function (PolyPhen-2) suggests that this variant is likely to be disruptive. In summary, the available evidence is currently insufficient to determine the role of this variant in disease. Therefore, it has been classified as a Variant of Uncertain Significance.

NM_005857.5(ZMPSTE24):c.58T>A (p.Phe20Ile)

Genes: ZMPSTE24 (zinc metallopeptidase STE24; plus strand), LOC129930253 (ATAC-STARR-seq lymphoblastoid active region 836; plus strand). Cytogenetic location: 1p34.2.
Variant type: single nucleotide variant.
Coding change: c.58T>A on transcript NM_005857.5 (MANE Select); coding-DNA position 58, T replaced by A.
Protein change: p.Phe20Ile; replaces phenylalanine 20 with isoleucine.
Molecular consequence: missense variant.
Genome position (GRCh38, 1-based): chr1:40,258,329, T>A. VCF-style: chr1-40258329-T-A. GRCh37 (hg19) VCF-style: chr1-40724001-T-A.
Other names: short protein forms F20I.
Identifiers: ClinVar variation 2197489 (VCV002197489.4), dbSNP rs1643459269, ClinGen allele CA339863384.
Genomic context (GRCh38, chr1:40,258,329, plus strand): 5'-GCCATGGGGATGTGGGCATCGCTGGACGCTTTGTGGGAGATGCCGGCCGAGAAGCGTATC[T>A]TCGGGGCCGTGCTGCTCTTTTCCTGGACAGTGTATCTTTGGGAGACCTTCCTAGCACAGC-3'
Protein context (NP_005848.2, residues 10-30): LWEMPAEKRI[Phe20Ile]GAVLLFSWTV